The following is an entry in ClinVar:

ClinVar aggregate classification (germline): Uncertain significance. Review status: criteria provided, multiple submitters, no conflicts (2 of 4 stars). 2 submissions from 2 submitters: Uncertain significance (2). Last evaluated 2025-01-22.

Conditions:
ELMOD3-related disorder. Also called: ELMOD3-related condition.

Allele frequency attached by ClinVar (database versions not stated): TOPMed below 0.00001; gnomAD 0.00001; gnomAD exomes 0.00001.
gnomAD v4.1: 5 of 1,551,556 alleles (0.00032%); highest among the groups gnomAD compares: Admixed American, 0.0098%; no homozygotes.

Submissions (2):

PreventionGenetics, part of Exact Sciences
Classification: Uncertain significance for ELMOD3-related condition. Last evaluated: 2025-01-22. Review status: criteria provided, single submitter. Criteria: ACMG Guidelines, 2015. Collection method: clinical testing. Allele origin: germline.
Comment: The ELMOD3 c.1061C>T variant is predicted to result in the amino acid substitution p.Pro354Leu. To our knowledge, this variant has not been reported in the literature. This variant is reported in 0.0081% of alleles in individuals of Latino descent in gnomAD. At this time, the clinical significance of this variant is uncertain due to the absence of conclusive functional and genetic evidence.

Labcorp Genetics (formerly Invitae), Labcorp
Classification: Uncertain significance. Last evaluated: 2024-01-04. Review status: criteria provided, single submitter. Criteria: Invitae Variant Classification Sherloc (09022015). Collection method: clinical testing. Allele origin: germline.
Comment: This sequence change replaces proline, which is neutral and non-polar, with leucine, which is neutral and non-polar, at codon 354 of the ELMOD3 protein (p.Pro354Leu). This variant is present in population databases (no rsID available, gnomAD 0.008%). This variant has not been reported in the literature in individuals affected with ELMOD3-related conditions. ClinVar contains an entry for this variant (Variation ID: 1495430). Advanced modeling of protein sequence and biophysical properties (such as structural, functional, and spatial information, amino acid conservation, physicochemical variation, residue mobility, and thermodynamic stability) performed at Invitae indicates that this missense variant is not expected to disrupt ELMOD3 protein function with a negative predictive value of 80%. In summary, the available evidence is currently insufficient to determine the role of this variant in disease. Therefore, it has been classified as a Variant of Uncertain Significance.

NM_001135022.2(ELMOD3):c.1061C>T (p.Pro354Leu)

Gene: ELMOD3 (ELMO domain containing 3; plus strand). Cytogenetic location: 2p11.2.
Variant type: single nucleotide variant.
Coding change: c.1061C>T on transcript NM_001135022.2 (MANE Select); coding-DNA position 1061, C replaced by T.
Protein change: p.Pro354Leu; replaces proline 354 with leucine.
Molecular consequence: missense variant. On other transcripts: non-coding transcript variant (3).
Genome position (GRCh38, 1-based): chr2:85,390,877, C>T. VCF-style: chr2-85390877-C-T. GRCh37 (hg19) VCF-style: chr2-85618000-C-T.
Other names: c.1061C>T (NM_001135021.1); c.1061C>T, p.Pro354Leu (NM_001135021.2, NM_001135023.2, NM_001329791.2 and 2 more transcripts); short protein forms P354L.
Identifiers: ClinVar variation 1495430 (VCV001495430.9), dbSNP rs993433494, ClinGen allele CA51709847.
Genomic context (GRCh38, chr2:85,390,877, plus strand): 5'-ACTTGGCCAGGGTGTCAAAGGGACAGGCCTCCTTGTTGGGAGCACAGAAGTGCTATGGGC[C>T]AGAAGCCCCTCCCTTCAAGGATCTCACCTTCACAGGTGAGAGTGACCTGCAGTCTCACTC-3'
Protein context (NP_001128494.1, residues 344-364): SLLGAQKCYG[Pro354Leu]EAPPFKDLTF